The following is an entry in ClinVar:

ClinVar aggregate classification (germline): Conflicting classifications of pathogenicity. Review status: criteria provided, conflicting classifications (1 of 4 stars). 3 submissions from 3 submitters: Uncertain significance (1); Likely benign (1). 1 of the submissions does not count toward it. Last evaluated 2025-05-13.

Conditions:
FAT2-related disorder. Also called: FAT2-related condition.

Allele frequency attached by ClinVar (database versions not stated): 1000 Genomes Project 30x 0.00047; 1000 Genomes Project 0.00060; ExAC 0.00081; TOPMed 0.00118; gnomAD 0.00122; ESP Exome Variant Server 0.00161; gnomAD exomes 0.00166.
gnomAD v4.1: 2,578 of 1,614,014 alleles (0.16%); highest among the groups gnomAD compares: Non-Finnish European, 0.2%; 6 homozygotes.

Submissions (3):

Labcorp Genetics (formerly Invitae), Labcorp
Classification: Uncertain significance. Last evaluated: 2025-05-13. Review status: criteria provided, single submitter. Criteria: Invitae Variant Classification Sherloc (09022015). Collection method: clinical testing. Allele origin: germline.
Comment: This sequence change replaces glutamic acid, which is acidic and polar, with lysine, which is basic and polar, at codon 4038 of the FAT2 protein (p.Glu4038Lys). This variant is present in population databases (rs138750878, gnomAD 0.2%), and has an allele count higher than expected for a pathogenic variant. This variant has not been reported in the literature in individuals affected with FAT2-related conditions. ClinVar contains an entry for this variant (Variation ID: 2078823). An algorithm developed to predict the effect of missense changes on protein structure and function (PolyPhen-2) suggests that this variant is likely to be tolerated. In summary, the available evidence is currently insufficient to determine the role of this variant in disease. Therefore, it has been classified as a Variant of Uncertain Significance.

CeGaT Center for Human Genetics Tuebingen
Classification: Likely benign. Last evaluated: 2023-08-01. Review status: criteria provided, single submitter. Criteria: CeGaT Center For Human Genetics Tuebingen Variant Classification Criteria Version 2. Collection method: clinical testing. Allele origin: germline. Affected: yes. Observed: 3 variant alleles.
Comment: FAT2: BP4, BS1

PreventionGenetics, part of Exact Sciences
Classification: Likely benign for FAT2-related condition. Last evaluated: 2022-02-03. Review status: no assertion criteria provided. Collection method: clinical testing. Allele origin: germline. Not counted in ClinVar's aggregate classification.
Comment: This variant is classified as likely benign based on ACMG/AMP sequence variant interpretation guidelines (Richards et al. 2015 PMID: 25741868, with internal and published modifications).

NM_001447.3(FAT2):c.12112G>A (p.Glu4038Lys)

Genes: FAT2 (FAT atypical cadherin 2; minus strand), SLC36A1 (solute carrier family 36 member 1; plus strand). Cytogenetic location: 5q33.1.
Variant type: single nucleotide variant.
Coding change: c.12112G>A on transcript NM_001447.3 (MANE Select); coding-DNA position 12112, G replaced by A.
Protein change: p.Glu4038Lys; replaces glutamic acid 4038 with lysine.
Molecular consequence: missense variant.
Genome position (GRCh38, 1-based): chr5:151,507,559, C>T on the plus strand (G>A on the coding strand, the complement: FAT2 is on the minus strand). VCF-style: chr5-151507559-C-T. GRCh37 (hg19) VCF-style: chr5-150887120-C-T.
Other names: c.12112G>A (NM_001447.2); short protein forms E4038K.
Identifiers: ClinVar variation 2078823 (VCV002078823.29), dbSNP rs138750878, ClinGen allele CA3519844.